The following is an entry in ClinVar:

NM_138576.4(BCL11B):c.563C>T (p.Ala188Val)

Gene: BCL11B (BCL11 transcription factor B; minus strand). Cytogenetic location: 14q32.2.
Variant type: single nucleotide variant.
Coding change: c.563C>T on transcript NM_138576.4 (MANE Select); coding-DNA position 563, C replaced by T.
Protein change: p.Ala188Val; replaces alanine 188 with valine.
Molecular consequence: missense variant. On other transcripts: intron variant (2).
Genome position (GRCh38, 1-based): chr14:99,231,422, G>A on the plus strand (C>T on the coding strand, the complement: BCL11B is on the minus strand). VCF-style: chr14-99231422-G-A. GRCh37 (hg19) VCF-style: chr14-99697759-G-A.
Other names: c.560C>T, p.Ala187Val (NM_001282237.2); c.424+26049C>T (NM_001282238.2); c.427+26049C>T (NM_022898.3); short protein forms A187V, A188V.
Identifiers: ClinVar variation 2171096 (VCV002171096.4), dbSNP rs757442289, ClinGen allele CA7339861.

ClinVar aggregate classification (germline): Uncertain significance (1 of 4 stars; one submission).

Allele frequency attached by ClinVar (database versions not stated): gnomAD 0.00001; ExAC 0.00004; TOPMed 0.00004.
gnomAD v4.1: 86 of 1,596,630 alleles (0.0054%); highest among the groups gnomAD compares: East Asian, 0.0067%; no homozygotes.

Submission:

Labcorp Genetics (formerly Invitae), Labcorp
Classification: Uncertain significance. Last evaluated: 2025-10-11. Review status: criteria provided, single submitter. Criteria: Invitae Variant Classification Sherloc (09022015). Collection method: clinical testing. Allele origin: germline.
Comment: This sequence change replaces alanine, which is neutral and non-polar, with valine, which is neutral and non-polar, at codon 188 of the BCL11B protein (p.Ala188Val). This variant is present in population databases (rs757442289, gnomAD 0.02%). This variant has not been reported in the literature in individuals affected with BCL11B-related conditions. ClinVar contains an entry for this variant (Variation ID: 2171096). Invitae Evidence Modeling of protein sequence and biophysical properties (such as structural, functional, and spatial information, amino acid conservation, physicochemical variation, residue mobility, and thermodynamic stability) indicates that this missense variant is not expected to disrupt BCL11B protein function with a negative predictive value of 95%. In summary, the available evidence is currently insufficient to determine the role of this variant in disease. Therefore, it has been classified as a Variant of Uncertain Significance.